The following is an entry in ClinVar:

NM_000218.3(KCNQ1):c.1875C>T (p.Pro625=)

Genes: KCNQ1 (potassium voltage-gated channel subfamily Q member 1; plus strand), KCNQ1-AS1 (KCNQ1 antisense RNA 1; minus strand). Cytogenetic location: 11p15.4.
Variant type: single nucleotide variant.
Coding change: c.1875C>T on transcript NM_000218.3 (MANE Select); coding-DNA position 1875, C replaced by T.
Protein change: p.Pro625=; no amino-acid change (proline 625 retained).
Molecular consequence: synonymous variant.
Genome position (GRCh38, 1-based): chr11:2,847,847, C>T. VCF-style: chr11-2847847-C-T. GRCh37 (hg19) VCF-style: chr11-2869077-C-T.
Other names: c.1779C>T, p.Pro593= (NM_001406836.1); c.1605C>T, p.Pro535= (NM_001406837.1); c.1335C>T, p.Pro445= (NM_001406838.1); c.387C>T, p.Pro129= (NM_001406839.1); c.1494C>T, p.Pro498= (NM_181798.2).
Identifiers: ClinVar variation 237226 (VCV000237226.37), dbSNP rs112113213, ClinGen allele CA033482.

ClinVar aggregate classification (germline): Conflicting classifications of pathogenicity. Review status: criteria provided, conflicting classifications (1 of 4 stars). 14 submissions from 11 submitters: Uncertain significance (1); Benign (3); Likely benign (9). 1 of the submissions does not count toward it. Last evaluated 2026-04-01.

Conditions:
Cardiovascular phenotype. Identifiers: MedGen CN230736.
Cardiac arrhythmia. Also called: Arrhythmia; Cardiac rhythm disease. Identifiers: MedGen C0003811, MONDO:0007263, HP:0011675.
KCNQ1-related disorder. Also called: KCNQ1-related disorders; KCNQ1-related condition. Identifiers: MedGen CN239322.
Long QT syndrome 1 (LQT1). Identifiers: Orphanet 101016, Orphanet 768, MedGen C4551647, MONDO:0100316, OMIM 192500, MONDO:0008646.
Long QT syndrome (LQTS). Identifiers: MedGen C0023976, MeSH D008133, MONDO:0002442. Disease mechanism: loss of function. Inheritance: Various modes of inheritance.
Jervell and Lange-Nielsen syndrome 1 (JLNS1). Also called: PROLONGED QT INTERVAL IN EKG AND SUDDEN DEATH; SURDO-CARDIAC SYNDROME; CARDIOAUDITORY SYNDROME OF JERVELL AND LANGE-NIELSEN; DEAFNESS, CONGENITAL, AND FUNCTIONAL HEART DISEASE. Identifiers: Orphanet 768, Orphanet 90647, MedGen C4551509, MONDO:0024540, OMIM 220400.
Atrial fibrillation, familial, 3 (ATFB3). Identifiers: MedGen C1837014, MONDO:0011857, OMIM 607554.
Short QT syndrome type 2. Identifiers: Orphanet 51083, MedGen C1865019, MONDO:0012313, OMIM 609621.

Allele frequency attached by ClinVar (database versions not stated): 1000 Genomes Project 30x 0.00016; 1000 Genomes Project 0.00020; ESP Exome Variant Server 0.00047; TOPMed 0.00063.
gnomAD v4.1: 241 of 1,570,382 alleles (0.015%); highest among the groups gnomAD compares: African/African-American, 0.17%; 3 homozygotes.

Submissions (14):

CeGaT Center for Human Genetics Tuebingen
Classification: Likely benign. Last evaluated: 2026-04-01. Review status: criteria provided, single submitter. Criteria: CeGaT Center For Human Genetics Tuebingen Variant Classification Criteria Version 2. Collection method: clinical testing. Allele origin: germline. Affected: yes. Observed: 1 variant allele.
Comment: KCNQ1: BP4, BP7

Labcorp Genetics (formerly Invitae), Labcorp
Classification: Likely benign for Long QT syndrome. Last evaluated: 2026-01-18. Review status: criteria provided, single submitter. Criteria: Invitae Variant Classification Sherloc (09022015). Collection method: clinical testing. Allele origin: germline.

All of Us Research Program, National Institutes of Health
Classification: Benign for Long QT syndrome. Last evaluated: 2024-01-08. Review status: criteria provided, single submitter. Criteria: ACMG Guidelines, 2015. Collection method: clinical testing. Allele origin: germline. Inheritance: Autosomal dominant inheritance. Observed: 33 variant alleles, 33 heterozygotes.
Comment: This study involves interpretation of variants in research participants for the purpose of population health screening. Participant phenotype was not available at the time of variant classification. Additional details can be found in publication PMID: 35346344, PMCID: PMC8962531

Blueprint Genetics
Classification: Likely benign. Last evaluated: 2023-09-26. Review status: criteria provided, single submitter. Criteria: ACMG Guidelines, 2015. Collection method: clinical testing. Allele origin: germline.

Women's Health and Genetics/Laboratory Corporation of America, LabCorp
Classification: Benign. Last evaluated: 2022-08-06. Review status: criteria provided, single submitter. Criteria: LabCorp Variant Classification Summary - May 2015. Collection method: clinical testing. Allele origin: germline.

GeneDx
Classification: Likely benign. Last evaluated: 2020-12-14. Review status: criteria provided, single submitter. Criteria: GeneDx Variant Classification Process June 2021. Collection method: clinical testing. Allele origin: germline. Affected: yes.

Color Diagnostics, LLC DBA Color Health
Classification: Benign for Arrhythmia. Last evaluated: 2018-10-18. Review status: criteria provided, single submitter. Criteria: ACMG Guidelines, 2015. Collection method: clinical testing. Allele origin: germline.

Illumina Laboratory Services, Illumina
Classification: Likely benign for Short QT syndrome type 2. Last evaluated: 2018-06-07. Review status: criteria provided, single submitter. Criteria: ICSL Variant Classification Criteria 13 December 2019. Collection method: clinical testing. Allele origin: germline.
Comment: This variant was observed as part of a predisposition screen in an ostensibly healthy population. A literature search was performed for the gene, cDNA change, and amino acid change (where applicable). No publications were found based on this search. Allele frequency data from public databases allowed determination this variant is unlikely to cause disease. Therefore, this variant is classified as likely benign.

Illumina Laboratory Services, Illumina
Classification: Likely benign for Jervell and Lange-Nielsen syndrome 1. Last evaluated: 2018-06-07. Review status: criteria provided, single submitter. Criteria: ICSL Variant Classification Criteria 13 December 2019. Collection method: clinical testing. Allele origin: germline.
Comment: the same text as in the submission from Illumina Laboratory Services, Illumina above.

Illumina Laboratory Services, Illumina
Classification: Likely benign for Long QT syndrome 1. Last evaluated: 2018-06-07. Review status: criteria provided, single submitter. Criteria: ICSL Variant Classification Criteria 13 December 2019. Collection method: clinical testing. Allele origin: germline.
Comment: the same text as in the submission from Illumina Laboratory Services, Illumina above.

Illumina Laboratory Services, Illumina
Classification: Likely benign for Atrial fibrillation, familial, 3. Last evaluated: 2018-06-07. Review status: criteria provided, single submitter. Criteria: ICSL Variant Classification Criteria 13 December 2019. Collection method: clinical testing. Allele origin: germline.
Comment: the same text as in the submission from Illumina Laboratory Services, Illumina above.

Eurofins Ntd Llc (ga)
Classification: Uncertain significance. Last evaluated: 2015-07-24. Review status: criteria provided, single submitter. Criteria: EGL Classification Definitions 2015. Collection method: clinical testing. Allele origin: germline. Observed: 1 variant allele, 1 heterozygote.

Ambry Genetics
Classification: Likely benign for Cardiovascular phenotype. Last evaluated: 2015-07-01. Review status: criteria provided, single submitter. Criteria: Ambry Variant Classification Scheme 2023. Collection method: clinical testing. Allele origin: germline.

PreventionGenetics, part of Exact Sciences
Classification: Likely benign for KCNQ1-related condition. Last evaluated: 2023-12-20. Review status: no assertion criteria provided. Collection method: clinical testing. Allele origin: germline. Not counted in ClinVar's aggregate classification.
Comment: This variant is classified as likely benign based on ACMG/AMP sequence variant interpretation guidelines (Richards et al. 2015 PMID: 25741868, with internal and published modifications).